The following is an entry in ClinVar:

NM_000271.5(NPC1):c.1480G>A (p.Val494Met)

Gene: NPC1 (NPC intracellular cholesterol transporter 1; minus strand). Cytogenetic location: 18q11.2.
Variant type: single nucleotide variant.
Coding change: c.1480G>A on transcript NM_000271.5 (MANE Select); coding-DNA position 1480, G replaced by A.
Protein change: p.Val494Met; replaces valine 494 with methionine.
Molecular consequence: missense variant.
Genome position (GRCh38, 1-based): chr18:23,554,831, C>T on the plus strand (G>A on the coding strand, the complement: NPC1 is on the minus strand). VCF-style: chr18-23554831-C-T. GRCh37 (hg19) VCF-style: chr18-21134795-C-T.
Other names: short protein forms V494M.
Identifiers: ClinVar variation 493233 (VCV000493233.52), dbSNP rs199812609, ClinGen allele CA8913459.

ClinVar aggregate classification (germline): Uncertain significance. Review status: criteria provided, multiple submitters, no conflicts (2 of 4 stars). 4 submissions from 4 submitters: Uncertain significance (3). 1 of the submissions does not count toward it. Last evaluated 2022-08-15.

Conditions:
Niemann-Pick disease, type C1. Also called: NIEMANN-PICK DISEASE WITHOUT SPHINGOMYELINASE DEFICIENCY; NIEMANN-PICK DISEASE, CHRONIC NEURONOPATHIC FORM; NEUROVISCERAL STORAGE DISEASE WITH VERTICAL SUPRANUCLEAR OPHTHALMOPLEGIA; NIEMANN-PICK DISEASE WITH CHOLESTEROL ESTERIFICATION BLOCK; NIEMANN-PICK DISEASE, VARIANT TYPE C1. Identifiers: Orphanet 646, MedGen C3179455, MONDO:0009757, OMIM 257220.

Allele frequency attached by ClinVar (database versions not stated): ESP Exome Variant Server 0.00008; gnomAD exomes 0.00015; ExAC 0.00016; TOPMed 0.00018; gnomAD 0.00021.
gnomAD v4.1: 250 of 1,614,010 alleles (0.015%); highest among the groups gnomAD compares: Non-Finnish European, 0.017%; no homozygotes.

Submissions (4):

Labcorp Genetics (formerly Invitae), Labcorp
Classification: Uncertain significance for Niemann-Pick disease, type C1. Last evaluated: 2022-08-15. Review status: criteria provided, single submitter. Criteria: Invitae Variant Classification Sherloc (09022015). Collection method: clinical testing. Allele origin: germline.
Comment: This sequence change replaces valine, which is neutral and non-polar, with methionine, which is neutral and non-polar, at codon 494 of the NPC1 protein (p.Val494Met). This variant is present in population databases (rs199812609, gnomAD 0.03%). This missense change has been observed in individual(s) with low high-density lipoprotein cholesterol level (PMID: 23685560). ClinVar contains an entry for this variant (Variation ID: 493233). Advanced modeling of protein sequence and biophysical properties (such as structural, functional, and spatial information, amino acid conservation, physicochemical variation, residue mobility, and thermodynamic stability) performed at Invitae indicates that this missense variant is not expected to disrupt NPC1 protein function. In summary, the available evidence is currently insufficient to determine the role of this variant in disease. Therefore, it has been classified as a Variant of Uncertain Significance.

Eurofins Ntd Llc (ga)
Classification: Uncertain significance. Last evaluated: 2018-03-06. Review status: criteria provided, single submitter. Criteria: EGL ClinVar v180209 classification definitions. Collection method: clinical testing. Allele origin: germline. Observed: 1 variant allele, 1 heterozygote.

CeGaT Center for Human Genetics Tuebingen
Classification: Uncertain significance. Last evaluated: 2017-07-01. Review status: criteria provided, single submitter. Criteria: CeGaT Center For Human Genetics Tuebingen Variant Classification Criteria Version 2. Collection method: clinical testing. Allele origin: germline. Affected: yes. Observed: 1 variant allele.

Natera, Inc.
Classification: Uncertain significance for Niemann-Pick disease type C1. Last evaluated: 2020-02-11. Review status: no assertion criteria provided. Collection method: clinical testing. Allele origin: germline. Not counted in ClinVar's aggregate classification.

Literature cited by the submitters: PubMed 23685560 (cited by Labcorp Genetics (formerly Invitae), Labcorp).